The following is an entry in ClinVar:

NM_020812.4(DOCK6):c.3606_3611del (p.1201EG[1])

Genes: DOCK6 (dedicator of cytokinesis 6; minus strand), DOCK6-AS1 (DOCK6 antisense RNA 1; plus strand). Cytogenetic location: 19p13.2.
Variant type: Deletion.
Coding change: c.3606_3611del on transcript NM_020812.4 (MANE Select); coding-DNA positions 3606 to 3611, 6 bases deleted (CGAAGG; older notation c.3606_3611delCGAAGG).
Protein change: p.1201EG[1].
Molecular consequence: inframe deletion.
Genome position (GRCh38, 1-based): chr19:11,217,331-11,217,336, CCTTCG deleted on the plus strand (CGAAGG on the coding strand, the reverse complement: DOCK6 is on the minus strand); deleting any 6 consecutive bases within chr19:11,217,331-11,217,341 gives the same sequence; the c. name uses the placement nearest the transcript's 3' end. VCF-style (leftmost placement, unchanged base first): chr19-11217330-CCCTTCG-C. GRCh37 (hg19) VCF-style: chr19-11328006-CCCTTCG-C.
Other names: c.3711_3716del, p.1236EG[1] (NM_001367830.1).
Identifiers: ClinVar variation 1382515 (VCV001382515.6), dbSNP rs763683775, ClinGen allele CA9207190.

ClinVar aggregate classification (germline): Uncertain significance (1 of 4 stars; one submission).

Submission:

Labcorp Genetics (formerly Invitae), Labcorp
Classification: Uncertain significance. Last evaluated: 2023-10-23. Review status: criteria provided, single submitter. Criteria: Invitae Variant Classification Sherloc (09022015). Collection method: clinical testing. Allele origin: germline.
Comment: This variant, c.3606_3611del, results in the deletion of 2 amino acid(s) of the DOCK6 protein (p.Glu1203_Gly1204del), but otherwise preserves the integrity of the reading frame. This variant is present in population databases (rs763683775, gnomAD 0.02%). This variant has not been reported in the literature in individuals affected with DOCK6-related conditions. ClinVar contains an entry for this variant (Variation ID: 1382515). Experimental studies and prediction algorithms are not available or were not evaluated, and the functional significance of this variant is currently unknown. In summary, the available evidence is currently insufficient to determine the role of this variant in disease. Therefore, it has been classified as a Variant of Uncertain Significance.